The following is an entry in ClinVar:

NM_015178.3(RHOBTB2):c.830_831del (p.Arg277fs)

Gene: RHOBTB2 (Rho related BTB domain containing 2; plus strand). Cytogenetic location: 8p21.3.
Variant type: Microsatellite.
Coding change: c.830_831del on transcript NM_015178.3 (MANE Select); coding-DNA positions 830 to 831, 2 bases deleted (GC; older notation c.830_831delGC).
Protein change: p.Arg277fs; shifts the reading frame from arginine 277.
Molecular consequence: frameshift variant.
Genome position (GRCh38, 1-based): chr8:23,007,075-23,007,076, GC deleted; deleting any 2 consecutive bases within chr8:23,007,073-23,007,076 gives the same sequence; the c. name uses the placement nearest the transcript's 3' end. VCF-style (leftmost placement, unchanged base first): chr8-23007072-TGC-T. GRCh37 (hg19) VCF-style: chr8-22864585-TGC-T.
Other names: c.896_897del, p.Arg299fs (NM_001160036.2); c.851_852del, p.Arg284fs (NM_001160037.2); c.830_831del, p.Arg277fs (NM_001374791.1); short protein forms R277fs, R284fs, R299fs.
Identifiers: ClinVar variation 5040076 (VCV005040076.1).

ClinVar aggregate classification (germline): Likely pathogenic (1 of 4 stars; one submission).

Submission:

CeGaT Center for Human Genetics Tuebingen
Classification: Likely pathogenic. Last evaluated: 2026-09-01. Review status: criteria provided, single submitter. Criteria: CeGaT Center For Human Genetics Tuebingen Variant Classification Criteria Version 2. Collection method: clinical testing. Allele origin: germline. Affected: yes. Observed: 1 variant allele.
Comment: RHOBTB2: PVS1:Strong, PM2